The following is an entry in ClinVar:

NM_001453.3(FOXC1):c.15C>G (p.Tyr5Ter)

Gene: FOXC1 (forkhead box C1; plus strand). Cytogenetic location: 6p25.3.
Variant type: single nucleotide variant.
Coding change: c.15C>G on transcript NM_001453.3 (MANE Select); coding-DNA position 15, C replaced by G.
Protein change: p.Tyr5Ter; replaces tyrosine 5 with a stop codon.
Molecular consequence: nonsense.
Genome position (GRCh38, 1-based): chr6:1,610,460, C>G. VCF-style: chr6-1610460-C-G. GRCh37 (hg19) VCF-style: chr6-1610695-C-G.
Other names: short protein forms Y5*.
Identifiers: ClinVar variation 4855642 (VCV004855642.1).

ClinVar aggregate classification (germline): Likely pathogenic (1 of 4 stars; one submission).

Conditions:
Axenfeld-Rieger syndrome type 3 (RIEG3). Also called: AXENFELD-RIEGER ANOMALY WITH CARDIAC DEFECTS AND/OR SENSORINEURAL HEARING LOSS. Identifiers: Orphanet 782, MedGen C2678503, MONDO:0011233, OMIM 602482.

Submission:

3billion
Classification: Likely pathogenic for Axenfeld-Rieger syndrome type 3. Last evaluated: 2025-06-09. Review status: criteria provided, single submitter. Criteria: ACMG Guidelines, 2015. Collection method: clinical testing. Allele origin: germline. Affected: yes.
Comment: The variant is not observed in the gnomAD v4.1.0 dataset. Predicted Consequence/Location: Stop-gained (nonsense): predicted to result in a loss or disruption of normal protein function through protein truncation. The predicted truncated protein may be shortened by more than 10%. Therefore, this variant is classified as Likely pathogenic according to the recommendation of ACMG/AMP guideline.